The following is an entry in ClinVar:

ClinVar aggregate classification (germline): Pathogenic (1 of 4 stars; one submission).

Submission:

CeGaT Center for Human Genetics Tuebingen
Classification: Pathogenic. Last evaluated: 2023-01-01. Review status: criteria provided, single submitter. Criteria: CeGaT Center For Human Genetics Tuebingen Variant Classification Criteria Version 2. Collection method: clinical testing. Allele origin: germline. Affected: yes. Observed: 1 variant allele.
Comment: TTN: PVS1, PM1, PM2

NM_001267550.2(TTN):c.95306_95312del (p.Val31769fs)

Genes: TTN (titin; minus strand), TTN-AS1 (TTN antisense RNA 1; plus strand). Cytogenetic location: 2q31.2.
Variant type: Deletion.
Coding change: c.95306_95312del on transcript NM_001267550.2 (MANE Select); coding-DNA positions 95306 to 95312, 7 bases deleted (TTACCAG; older notation c.95306_95312delTTACCAG).
Protein change: p.Val31769fs; shifts the reading frame from valine 31769.
Molecular consequence: frameshift variant.
Genome position (GRCh38, 1-based): chr2:178,545,924-178,545,930, CTGGTAA deleted on the plus strand (TTACCAG on the coding strand, the reverse complement: TTN is on the minus strand); deleting any 7 consecutive bases within chr2:178,545,924-178,545,931 gives the same sequence; the c. name uses the placement nearest the transcript's 3' end. VCF-style (leftmost placement, unchanged base first): chr2-178545923-CCTGGTAA-C. GRCh37 (hg19) VCF-style: chr2-179410650-CCTGGTAA-C.
Other names: c.90383_90389del, p.Val30128fs (NM_001256850.1); c.68111_68117del, p.Val22704fs (NM_003319.4); c.87602_87608del, p.Val29201fs (NM_133378.4); c.68486_68492del, p.Val22829fs (NM_133432.3); c.68687_68693del, p.Val22896fs (NM_133437.4); short protein forms V22704fs, V22829fs, V22896fs, V29201fs, V30128fs, V31769fs.
Identifiers: ClinVar variation 2498849 (VCV002498849.28), dbSNP rs2469027059, ClinGen allele CA2580064743.